The following is an entry in ClinVar:

ClinVar aggregate classification (germline): Likely pathogenic (1 of 4 stars; one submission).

Conditions:
Goldberg-Shprintzen syndrome. Identifiers: Orphanet 66629, MedGen C1836123, MONDO:0012280, OMIM 609460.

Allele frequency attached by ClinVar (database versions not stated): gnomAD exomes below 0.00001; gnomAD 0.00001.
gnomAD v4.1: 6 of 1,613,650 alleles (0.00037%); highest among the groups gnomAD compares: Non-Finnish European, 0.00042%; no homozygotes.

Submission:

Laboratory of Medical Genetics, National & Kapodistrian University of Athens
Classification: Likely pathogenic for Goldberg-Shprintzen syndrome. Last evaluated: 2021-08-10. Review status: criteria provided, single submitter. Criteria: ACMG Guidelines, 2015. Collection method: clinical testing. Allele origin: paternal. Affected: yes.
Comment: PM2, PM3, PP3, PP4

NM_033116.6(NEK9):c.2101C>T (p.Arg701Trp)

Gene: NEK9 (NIMA related kinase 9; minus strand). Cytogenetic location: 14q24.3.
Variant type: single nucleotide variant.
Coding change: c.2101C>T on transcript NM_033116.6 (MANE Select); coding-DNA position 2101, C replaced by T.
Protein change: p.Arg701Trp; replaces arginine 701 with tryptophan.
Molecular consequence: missense variant.
Genome position (GRCh38, 1-based): chr14:75,097,172, G>A on the plus strand (C>T on the coding strand, the complement: NEK9 is on the minus strand). VCF-style: chr14-75097172-G-A. GRCh37 (hg19) VCF-style: chr14-75563875-G-A.
Other names: c.2137C>T, p.Arg713Trp (NM_001329237.2); c.1747C>T, p.Arg583Trp (NM_001329238.2); short protein forms R583W, R701W, R713W.
Identifiers: ClinVar variation 1299544 (VCV001299544.1), dbSNP rs1402196530, ClinGen allele CA390442797.